The following is an entry in ClinVar:

NM_022893.4(BCL11A):c.565_575del (p.Ala189fs)

Gene: BCL11A (BCL11 transcription factor A; minus strand). Cytogenetic location: 2p16.1.
Variant type: Deletion.
Coding change: c.565_575del on transcript NM_022893.4 (MANE Select); coding-DNA positions 565 to 575, 11 bases deleted (GCACAGAACAC).
Protein change: p.Ala189fs; shifts the reading frame from alanine 189.
Molecular consequence: frameshift variant.
Genome position (GRCh38, 1-based): chr2:60,462,337-60,462,347, GTGTTCTGTGC deleted on the plus strand (GCACAGAACAC on the coding strand, the reverse complement: BCL11A is on the minus strand); deleting any 11 consecutive bases within chr2:60,462,337-60,462,352 gives the same sequence; the c. name uses the placement nearest the transcript's 3' end. VCF-style (leftmost placement, unchanged base first): chr2-60462336-AGTGTTCTGTGC-A. GRCh37 (hg19) VCF-style: chr2-60689471-AGTGTTCTGTGC-A.
Other names: c.463_473del, p.Ala155fs (NM_001363864.1, NM_001365609.1); c.565_575del, p.Ala189fs (NM_018014.4, NM_138559.2); short protein forms A189fs, A155fs.
Identifiers: ClinVar variation 1397405 (VCV001397405.8), dbSNP rs2103862119, ClinGen allele CA2573134965.

ClinVar aggregate classification (germline): Pathogenic (1 of 4 stars; one submission).

Submission:

Labcorp Genetics (formerly Invitae), Labcorp
Classification: Pathogenic. Last evaluated: 2020-12-18. Review status: criteria provided, single submitter. Criteria: Invitae Variant Classification Sherloc (09022015). Collection method: clinical testing. Allele origin: germline.
Comment: Experimental studies and prediction algorithms are not available or were not evaluated, and the functional significance of this variant is currently unknown. This variant has not been reported in the literature in individuals with BCL11A-related conditions. This variant is not present in population databases (ExAC no frequency). This sequence change creates a premature translational stop signal (p.Ala189Serfs*44) in the BCL11A gene. While this is not anticipated to result in nonsense mediated decay, it is expected to disrupt the last 647 amino acid(s) of the BCL11A protein. This variant disrupts the C-terminus of the BCL11A protein. Other variants that disrupt this region (p.Ser679Glnfs*47, p.Glu593Glyfs*9) have been determined to be pathogenic (PMID: 27453576). This suggests that variants that disrupt this region of the protein are likely to be causative of disease. For these reasons, this variant has been classified as Pathogenic.

Literature cited by the submitters: PubMed 27453576.